The following is an entry in ClinVar:

NM_004369.4(COL6A3):c.9069C>T (p.Thr3023=)

Gene: COL6A3 (collagen type VI alpha 3 chain; minus strand). Cytogenetic location: 2q37.3.
Variant type: single nucleotide variant.
Coding change: c.9069C>T on transcript NM_004369.4 (MANE Select); coding-DNA position 9069, C replaced by T.
Protein change: p.Thr3023=; no amino-acid change (threonine 3023 retained).
Molecular consequence: synonymous variant.
Genome position (GRCh38, 1-based): chr2:237,334,786, G>A on the plus strand (C>T on the coding strand, the complement: COL6A3 is on the minus strand). VCF-style: chr2-237334786-G-A. GRCh37 (hg19) VCF-style: chr2-238243429-G-A.
Other names: p.Thr3023=; c.7248C>T, p.Thr2416= (NM_057166.5); c.8451C>T, p.Thr2817= (NM_057167.4).
Identifiers: ClinVar variation 95015 (VCV000095015.30), dbSNP rs111234422, ClinGen allele CA148089.

ClinVar aggregate classification (germline): Benign/Likely benign. Review status: criteria provided, multiple submitters, no conflicts (2 of 4 stars). 9 submissions from 9 submitters: Benign (7); Likely benign (2). Last evaluated 2026-02-01.

Conditions:
Collagen 6-related myopathy. Identifiers: MedGen CN117976, MONDO:0100225.
Bethlem myopathy 1A. Also called: MYOPATHY, BENIGN CONGENITAL, WITH CONTRACTURES; Bethlem myopathy 1; Bethlem Muscular Dystrophy. Identifiers: Orphanet 610, MedGen CN029274, MONDO:0024530, OMIM 158810.

Allele frequency attached by ClinVar (database versions not stated): gnomAD exomes 0.00043 and 0.00111; ExAC 0.00125; gnomAD 0.00407 and 0.00431; TOPMed 0.00445; ESP Exome Variant Server 0.00507; 1000 Genomes Project 0.00539; 1000 Genomes Project 30x 0.00640.
gnomAD v4.1: 1,269 of 1,614,148 alleles (0.079%); highest among the groups gnomAD compares: African/African-American, 1.3%; 9 homozygotes.

Submissions (9):

Labcorp Genetics (formerly Invitae), Labcorp
Classification: Benign for Bethlem myopathy 1A. Last evaluated: 2026-02-01. Review status: criteria provided, single submitter. Criteria: Invitae Variant Classification Sherloc (09022015). Collection method: clinical testing. Allele origin: germline.

CeGaT Center for Human Genetics Tuebingen
Classification: Likely benign. Last evaluated: 2025-11-01. Review status: criteria provided, single submitter. Criteria: CeGaT Center For Human Genetics Tuebingen Variant Classification Criteria Version 2. Collection method: clinical testing. Allele origin: germline. Affected: yes. Observed: 1 variant allele.
Comment: COL6A3: BP4, BP7, BS1

Blueprint Genetics
Classification: Likely benign. Last evaluated: 2024-11-20. Review status: criteria provided, single submitter. Criteria: ACMG Guidelines, 2015. Collection method: clinical testing. Allele origin: germline.

Mayo Clinic Laboratories, Mayo Clinic
Classification: Benign. Last evaluated: 2020-02-03. Review status: criteria provided, single submitter. Criteria: ACMG Guidelines, 2015. Collection method: clinical testing. Allele origin: germline. Observed: 3 variant alleles.

GeneDx
Classification: Benign. Last evaluated: 2019-04-09. Review status: criteria provided, single submitter. Criteria: GeneDx Variant Classification (06012015). Collection method: clinical testing. Allele origin: germline. Affected: yes.

Athena Diagnostics
Classification: Benign. Last evaluated: 2019-02-14. Review status: criteria provided, single submitter. Criteria: Athena Diagnostics Criteria. Collection method: clinical testing. Allele origin: germline.

Illumina Laboratory Services, Illumina
Classification: Benign for Collagen VI-related myopathy. Last evaluated: 2018-01-13. Review status: criteria provided, single submitter. Criteria: ICSL Variant Classification Criteria 13 December 2019. Collection method: clinical testing. Allele origin: germline.
Comment: This variant was observed in the ICSL laboratory as part of a predisposition screen in an ostensibly healthy population. It had not been previously curated by ICSL or reported in the Human Gene Mutation Database (HGMD: prior to June 1st, 2018), and was therefore a candidate for classification through an automated scoring system. Utilizing variant allele frequency, disease prevalence and penetrance estimates, and inheritance mode, an automated score was calculated to assess if this variant is too frequent to cause the disease. Based on the score and internal cut-off values, a variant classified as benign is not then subjected to further curation. The score for this variant resulted in a classification of benign for this disease.

Eurofins Ntd Llc (ga)
Classification: Benign. Last evaluated: 2012-11-02. Review status: criteria provided, single submitter. Criteria: EGL Classification Definitions 2015. Collection method: clinical testing. Allele origin: germline. Observed: 1 variant allele, 1 heterozygote.

Breakthrough Genomics
Classification: Benign. Review status: criteria provided, single submitter. Criteria: ACMG Guidelines, 2015. Collection method: not provided. Allele origin: germline. Inheritance: Autosomal recessive inheritance. Affected: yes.